The following is an entry in ClinVar:

ClinVar aggregate classification (germline): Uncertain significance (1 of 4 stars; one submission).

Submission:

Ambry Genetics
Classification: Uncertain significance. Last evaluated: 2024-07-05. Review status: criteria provided, single submitter. Criteria: Ambry Variant Classification Scheme 2023. Collection method: clinical testing. Allele origin: germline.
Comment: The p.R255K variant (also known as c.764G>A), located in coding exon 8 of the BUB1 gene, results from a G to A substitution at nucleotide position 764. The arginine at codon 255 is replaced by lysine, an amino acid with highly similar properties. This amino acid position is conserved. In addition, the in silico prediction for this alteration is inconclusive. Based on the available evidence, the clinical significance of this variant remains unclear.

NM_004336.5(BUB1):c.764G>A (p.Arg255Lys)

Gene: BUB1 (BUB1 mitotic checkpoint serine/threonine kinase; minus strand). Cytogenetic location: 2q13.
Variant type: single nucleotide variant.
Coding change: c.764G>A on transcript NM_004336.5 (MANE Select); coding-DNA position 764, G replaced by A.
Protein change: p.Arg255Lys; replaces arginine 255 with lysine.
Molecular consequence: missense variant.
Genome position (GRCh38, 1-based): chr2:110,667,562, C>T on the plus strand (G>A on the coding strand, the complement: BUB1 is on the minus strand). VCF-style: chr2-110667562-C-T. GRCh37 (hg19) VCF-style: chr2-111425139-C-T.
Other names: c.704G>A, p.Arg235Lys (NM_001278616.2); c.764G>A, p.Arg255Lys (NM_001278617.2); short protein forms R255K, R235K.
Identifiers: ClinVar variation 3483018 (VCV003483018.1).